The following is an entry in ClinVar:

ClinVar aggregate classification (germline): Uncertain significance. Review status: criteria provided, multiple submitters, no conflicts (2 of 4 stars). 3 submissions from 3 submitters: Uncertain significance (3). Last evaluated 2025-05-06.

Conditions:
Inborn genetic diseases. Identifiers: MedGen C0950123, MeSH D030342.

gnomAD v4.1: 11 of 1,614,032 alleles (0.00068%); highest among the groups gnomAD compares: South Asian, 0.0055%; 1 homozygote.

Submissions (3):

Ambry Genetics
Classification: Uncertain significance for Inborn genetic diseases. Last evaluated: 2025-05-06. Review status: criteria provided, single submitter. Criteria: Ambry Variant Classification Scheme 2023. Collection method: clinical testing. Allele origin: germline.

GeneDx
Classification: Uncertain significance. Last evaluated: 2023-07-14. Review status: criteria provided, single submitter. Criteria: GeneDx Variant Classification Process June 2021. Collection method: clinical testing. Allele origin: germline. Affected: yes.
Comment: Not observed at significant frequency in large population cohorts (gnomAD); In silico analysis supports that this missense variant does not alter protein structure/function; Occurs in the triple helical domain at the Y position in the canonical Gly-X-Y repeat; although this variant may have an effect on normal protein folding and function, missense substitution at the Y position is not a common mechanism of disease; Has not been previously published as pathogenic or benign to our knowledge

Blueprint Genetics
Classification: Uncertain significance. Last evaluated: 2019-01-11. Review status: criteria provided, single submitter. Criteria: ACMG Guidelines, 2015. Collection method: clinical testing. Allele origin: germline.

NM_000091.5(COL4A3):c.4294C>T (p.Arg1432Cys)

Genes: COL4A3 (collagen type IV alpha 3 chain; plus strand), MFF-DT (MFF divergent transcript; minus strand). Cytogenetic location: 2q36.3.
Variant type: single nucleotide variant.
Coding change: c.4294C>T on transcript NM_000091.5 (MANE Select); coding-DNA position 4294, C replaced by T.
Protein change: p.Arg1432Cys; replaces arginine 1432 with cysteine.
Molecular consequence: missense variant.
Genome position (GRCh38, 1-based): chr2:227,307,751, C>T. VCF-style: chr2-227307751-C-T. GRCh37 (hg19) VCF-style: chr2-228172467-C-T.
Other names: short protein forms R1432C.
Identifiers: ClinVar variation 3360975 (VCV003360975.3).